The following is an entry in ClinVar:

ClinVar aggregate classification (germline): Uncertain significance. Review status: criteria provided, multiple submitters, no conflicts (2 of 4 stars). 3 submissions from 3 submitters: Uncertain significance (3). Last evaluated 2026-07-06.

Conditions:
Hereditary cancer-predisposing syndrome. Also called: Tumor predisposition; Hereditary Cancer Syndrome; Hereditary neoplastic syndrome; Neoplastic Syndromes, Hereditary. Identifiers: Orphanet 140162, MedGen C0027672, MeSH D009386, MONDO:0015356.
Hereditary nonpolyposis colorectal neoplasms. Identifiers: MedGen C0009405, MeSH D003123.

Submissions (3):

Ambry Genetics
Classification: Uncertain significance for Hereditary cancer-predisposing syndrome. Last evaluated: 2026-07-06. Review status: criteria provided, single submitter. Criteria: Ambry Variant Classification Scheme 2023. Collection method: clinical testing. Allele origin: germline.
Comment: The p.G477A variant (also known as c.1430G>C), located in coding exon 4 of the MSH6 gene, results from a G to C substitution at nucleotide position 1430. The glycine at codon 477 is replaced by alanine, an amino acid with similar properties. This amino acid position is conserved. In addition, this alteration is predicted to be deleterious by in silico analysis. Based on the available evidence, the clinical significance of this variant remains unclear.

GeneDx
Classification: Uncertain significance. Last evaluated: 2023-02-15. Review status: criteria provided, single submitter. Criteria: GeneDx Variant Classification Process June 2021. Collection method: clinical testing. Allele origin: germline. Affected: yes.
Comment: Not observed at significant frequency in large population cohorts (gnomAD); In silico analysis supports that this missense variant has a deleterious effect on protein structure/function; Has not been previously published as pathogenic or benign to our knowledge; This variant is associated with the following publications: (PMID: 17531815, 21120944)

Labcorp Genetics (formerly Invitae), Labcorp
Classification: Uncertain significance for Hereditary nonpolyposis colorectal neoplasms. Last evaluated: 2020-03-31. Review status: criteria provided, single submitter. Criteria: Invitae Variant Classification Sherloc (09022015). Collection method: clinical testing. Allele origin: germline.
Comment: In summary, the available evidence is currently insufficient to determine the role of this variant in disease. Therefore, it has been classified as a Variant of Uncertain Significance. Algorithms developed to predict the effect of missense changes on protein structure and function (SIFT, PolyPhen-2, Align-GVGD) all suggest that this variant is likely to be disruptive, but these predictions have not been confirmed by published functional studies and their clinical significance is uncertain. This variant has not been reported in the literature in individuals with MSH6-related conditions. This variant is not present in population databases (ExAC no frequency). This sequence change replaces glycine with alanine at codon 477 of the MSH6 protein (p.Gly477Ala). The glycine residue is highly conserved and there is a small physicochemical difference between glycine and alanine.

NM_000179.3(MSH6):c.1430G>C (p.Gly477Ala)

Gene: MSH6 (mutS homolog 6; plus strand). Cytogenetic location: 2p16.3.
Variant type: single nucleotide variant.
Coding change: c.1430G>C on transcript NM_000179.3 (MANE Select); coding-DNA position 1430, G replaced by C.
Protein change: p.Gly477Ala; replaces glycine 477 with alanine.
Molecular consequence: missense variant.
Genome position (GRCh38, 1-based): chr2:47,799,413, G>C. VCF-style: chr2-47799413-G-C. GRCh37 (hg19) VCF-style: chr2-48026552-G-C.
Other names: c.1040G>C, p.Gly347Ala (NM_001281492.2); c.524G>C, p.Gly175Ala (NM_001281493.2, NM_001281494.2); c.1430G>C (NM_000179.2); short protein forms G175A, G347A, G477A.
Identifiers: ClinVar variation 1042990 (VCV001042990.11), dbSNP rs1669330815, ClinGen allele CA346745487.